The following is an entry in ClinVar:

ClinVar aggregate classification (germline): Uncertain significance (1 of 4 stars; one submission).

Submission:

GeneDx
Classification: Uncertain significance. Last evaluated: 2022-02-20. Review status: criteria provided, single submitter. Criteria: GeneDx Variant Classification Process June 2021. Collection method: clinical testing. Allele origin: germline. Affected: yes.
Comment: Not observed at significant frequency in large population cohorts (gnomAD); In silico analysis supports that this missense variant has a deleterious effect on protein structure/function; Has not been previously published as pathogenic or benign to our knowledge

NM_001085458.2(CTNND1):c.1033G>A (p.Gly345Arg)

Genes: CTNND1 (catenin delta 1; plus strand), TMX2-CTNND1 (TMX2-CTNND1 readthrough (NMD candidate); plus strand). Cytogenetic location: 11q12.1.
Variant type: single nucleotide variant.
Coding change: c.1033G>A on transcript NM_001085458.2 (MANE Select); coding-DNA position 1033, G replaced by A.
Protein change: p.Gly345Arg; replaces glycine 345 with arginine.
Molecular consequence: missense variant. On other transcripts: non-coding transcript variant (1).
Genome position (GRCh38, 1-based): chr11:57,801,809, G>A. VCF-style: chr11-57801809-G-A. GRCh37 (hg19) VCF-style: chr11-57569281-G-A.
Other names: c.1033G>A, p.Gly345Arg (NM_001085459.2, NM_001085460.2, NM_001085461.2 and 3 more transcripts); c.730G>A, p.Gly244Arg (NM_001085463.2, NM_001085464.2, NM_001085465.2 and 5 more transcripts); c.871G>A, p.Gly291Arg (NM_001206883.2, NM_001206884.2, NM_001206886.2 and 4 more transcripts); short protein forms G244R, G291R, G345R.
Identifiers: ClinVar variation 1702602 (VCV001702602.2), dbSNP rs2137122092, ClinGen allele CA380725314.